The following is an entry in ClinVar:

ClinVar aggregate classification (germline): Uncertain significance (1 of 4 stars; one submission).

Submission:

GeneDx
Classification: Uncertain significance. Last evaluated: 2024-07-12. Review status: criteria provided, single submitter. Criteria: GeneDx Variant Classification Process June 2021. Collection method: clinical testing. Allele origin: germline. Affected: yes.
Comment: Has not been previously published as pathogenic or benign to our knowledge; Not observed at significant frequency in large population cohorts (gnomAD); In silico analysis indicates that this missense variant does not alter protein structure/function

NM_021628.3(ALOXE3):c.257G>C (p.Arg86Pro)

Gene: ALOXE3 (arachidonate epidermal lipoxygenase 3; minus strand). Cytogenetic location: 17p13.1.
Variant type: single nucleotide variant.
Coding change: c.257G>C on transcript NM_021628.3 (MANE Select); coding-DNA position 257, G replaced by C.
Protein change: p.Arg86Pro; replaces arginine 86 with proline.
Molecular consequence: missense variant.
Genome position (GRCh38, 1-based): chr17:8,116,871, C>G on the plus strand (G>C on the coding strand, the complement: ALOXE3 is on the minus strand). VCF-style: chr17-8116871-C-G. GRCh37 (hg19) VCF-style: chr17-8020189-C-G.
Other names: c.653G>C, p.Arg218Pro (NM_001165960.1); c.257G>C, p.Arg86Pro (NM_001369446.1); short protein forms R218P, R86P.
Identifiers: ClinVar variation 3572490 (VCV003572490.1).
Genomic context (GRCh38, chr17:8,116,871, plus strand): 5'-TCAATCCACTGATAGCAGGGGAAGTGGGATACACTACCATCCGGTTCGGTGACACAGATG[C>G]GGCTACAGTACCAAGAGTCCTTGCGGAAGAAAGCGTAGCGCTCCTTGTGTACACGCAGCA-3'
Protein context (NP_067641.2, residues 76-96): FFRKDSWYCS[Arg86Pro]ICVTEPDGSV